The following is an entry in ClinVar:

ClinVar aggregate classification (germline): Conflicting classifications of pathogenicity. Review status: criteria provided, conflicting classifications (1 of 4 stars). 2 submissions from 2 submitters: Likely pathogenic (1); Uncertain significance (1). Last evaluated 2025-04-03.

Conditions:
Seizures, benign familial infantile, 3 (BFIS3). Also called: Familial neonatal seizures; CONVULSIONS, BENIGN FAMILIAL INFANTILE, 3. Identifiers: Orphanet 140927, Orphanet 306, MedGen C1843140, MONDO:0011904, OMIM 607745.
Developmental and epileptic encephalopathy, 11 (DEE11). Also called: Early infantile epileptic encephalopathy 11. Identifiers: Orphanet 1934, MedGen C3150987, MONDO:0013388, OMIM 613721.

Submissions (2):

3billion
Classification: Uncertain significance for Developmental and epileptic encephalopathy, 11. Last evaluated: 2025-04-03. Review status: criteria provided, single submitter. Criteria: ACMG Guidelines, 2015. Collection method: clinical testing. Allele origin: germline. Affected: yes.

Centre for Mendelian Genomics, University Medical Centre Ljubljana
Classification: Likely pathogenic for Seizures, benign familial infantile, 3. Last evaluated: 2019-03-12. Review status: criteria provided, single submitter. Criteria: ACMG Guidelines, 2015. Collection method: clinical testing. Allele origin: unknown. Affected: yes.
Comment: This variant was classified as: Likely pathogenic. The following ACMG criteria were applied in classifying this variant: PM2,PM6,PP2,PP3.

NM_001040142.2(SCN2A):c.4801G>A (p.Val1601Met)

Gene: SCN2A (sodium voltage-gated channel alpha subunit 2; plus strand). Cytogenetic location: 2q24.3.
Variant type: single nucleotide variant.
Coding change: c.4801G>A on transcript NM_001040142.2 (MANE Select); coding-DNA position 4801, G replaced by A.
Protein change: p.Val1601Met; replaces valine 1601 with methionine.
Molecular consequence: missense variant.
Genome position (GRCh38, 1-based): chr2:165,386,995, G>A. VCF-style: chr2-165386995-G-A. GRCh37 (hg19) VCF-style: chr2-166243505-G-A.
Other names: c.4801G>A, p.Val1601Met (NM_001040143.2, NM_001371246.1, NM_001371247.1 and 1 more transcripts); short protein forms V1601M.
Identifiers: ClinVar variation 932060 (VCV000932060.4), dbSNP rs1553463140, ClinGen allele CA349036912.